The following is an entry in ClinVar:

ClinVar aggregate classification (germline): Uncertain significance (1 of 4 stars; one submission).

Allele frequency attached by ClinVar (database versions not stated): TOPMed 0.00001.
gnomAD v4.1: 2 of 1,602,102 alleles (0.00012%); highest among the groups gnomAD compares: African/African-American, 0.0027%; no homozygotes.

Submission:

Labcorp Genetics (formerly Invitae), Labcorp
Classification: Uncertain significance. Last evaluated: 2024-02-17. Review status: criteria provided, single submitter. Criteria: Invitae Variant Classification Sherloc (09022015). Collection method: clinical testing. Allele origin: germline.
Comment: This sequence change replaces isoleucine, which is neutral and non-polar, with methionine, which is neutral and non-polar, at codon 248 of the GATAD2B protein (p.Ile248Met). This variant is not present in population databases (gnomAD no frequency). This variant has not been reported in the literature in individuals affected with GATAD2B-related conditions. ClinVar contains an entry for this variant (Variation ID: 1506735). Advanced modeling of protein sequence and biophysical properties (such as structural, functional, and spatial information, amino acid conservation, physicochemical variation, residue mobility, and thermodynamic stability) has been performed at Invitae for this missense variant, however the output from this modeling did not meet the statistical confidence thresholds required to predict the impact of this variant on GATAD2B protein function. In summary, the available evidence is currently insufficient to determine the role of this variant in disease. Therefore, it has been classified as a Variant of Uncertain Significance.

NM_020699.4(GATAD2B):c.744C>G (p.Ile248Met)

Gene: GATAD2B (GATA zinc finger domain containing 2B; minus strand). Cytogenetic location: 1q21.3.
Variant type: single nucleotide variant.
Coding change: c.744C>G on transcript NM_020699.4 (MANE Select); coding-DNA position 744, C replaced by G.
Protein change: p.Ile248Met; replaces isoleucine 248 with methionine.
Molecular consequence: missense variant.
Genome position (GRCh38, 1-based): chr1:153,817,528, G>C on the plus strand (C>G on the coding strand, the complement: GATAD2B is on the minus strand). VCF-style: chr1-153817528-G-C. GRCh37 (hg19) VCF-style: chr1-153790004-G-C.
Other names: short protein forms I248M.
Identifiers: ClinVar variation 1506735 (VCV001506735.8), dbSNP rs762057937, ClinGen allele CA342531026.